The following is an entry in ClinVar:

ClinVar aggregate classification (germline): Uncertain significance. Review status: criteria provided, multiple submitters, no conflicts (2 of 4 stars). 2 submissions from 2 submitters: Uncertain significance (2). Last evaluated 2025-08-10.

Conditions:
Hereditary cancer-predisposing syndrome. Also called: Hereditary Cancer Syndrome; Hereditary neoplastic syndrome; Tumor predisposition; Neoplastic Syndromes, Hereditary. Identifiers: Orphanet 140162, MedGen C0027672, MeSH D009386, MONDO:0015356.
Gorlin syndrome. Also called: Basal cell nevus syndrome; Nevoid Basal Cell Carcinoma Syndrome. Identifiers: Orphanet 377, MedGen C0004779, MONDO:0007187.
Medulloblastoma (MDB). Also called: Medulloblastoma, somatic; MEDULLOBLASTOMA PREDISPOSITION SYNDROME. Identifiers: Orphanet 616, MedGen C0025149, MeSH D008527, MONDO:0007959, OMIM 155255, HP:0002885.

Submissions (2):

Labcorp Genetics (formerly Invitae), Labcorp
Classification: Uncertain significance for Gorlin syndrome; Medulloblastoma. Last evaluated: 2025-08-10. Review status: criteria provided, single submitter. Criteria: Invitae Variant Classification Sherloc (09022015). Collection method: clinical testing. Allele origin: germline.
Comment: This sequence change replaces cysteine, which is neutral and slightly polar, with arginine, which is basic and polar, at codon 384 of the SUFU protein (p.Cys384Arg). This variant is not present in population databases (gnomAD no frequency). This variant has not been reported in the literature in individuals affected with SUFU-related conditions. ClinVar contains an entry for this variant (Variation ID: 453954). Invitae Evidence Modeling of protein sequence and biophysical properties (such as structural, functional, and spatial information, amino acid conservation, physicochemical variation, residue mobility, and thermodynamic stability) indicates that this missense variant is not expected to disrupt SUFU protein function with a negative predictive value of 80%. In summary, the available evidence is currently insufficient to determine the role of this variant in disease. Therefore, it has been classified as a Variant of Uncertain Significance.

Ambry Genetics
Classification: Uncertain significance for Hereditary cancer-predisposing syndrome. Last evaluated: 2024-07-15. Review status: criteria provided, single submitter. Criteria: Ambry Variant Classification Scheme 2023. Collection method: clinical testing. Allele origin: germline.
Comment: The p.C384R variant (also known as c.1150T>C), located in coding exon 9 of the SUFU gene, results from a T to C substitution at nucleotide position 1150. The cysteine at codon 384 is replaced by arginine, an amino acid with highly dissimilar properties. This amino acid position is conserved. In addition, the in silico prediction for this alteration is inconclusive. Based on the available evidence, the clinical significance of this variant remains unclear.

NM_016169.4(SUFU):c.1150T>C (p.Cys384Arg)

Gene: SUFU (SUFU negative regulator of hedgehog signaling; plus strand). Cytogenetic location: 10q24.32.
Variant type: single nucleotide variant.
Coding change: c.1150T>C on transcript NM_016169.4 (MANE Select); coding-DNA position 1150, T replaced by C.
Protein change: p.Cys384Arg; replaces cysteine 384 with arginine.
Molecular consequence: missense variant.
Genome position (GRCh38, 1-based): chr10:102,615,395, T>C. VCF-style: chr10-102615395-T-C. GRCh37 (hg19) VCF-style: chr10-104375152-T-C.
Other names: c.1150T>C, p.Cys384Arg (NM_001178133.2); short protein forms C384R.
Identifiers: ClinVar variation 453954 (VCV000453954.10), dbSNP rs375419295, ClinGen allele CA377914582.